The following is an entry in ClinVar:

NM_024422.6(DSC2):c.2014A>G (p.Ile672Val)

Gene: DSC2 (desmocollin 2; minus strand). Cytogenetic location: 18q12.1.
Variant type: single nucleotide variant.
Coding change: c.2014A>G on transcript NM_024422.6 (MANE Select); coding-DNA position 2014, A replaced by G.
Protein change: p.Ile672Val; replaces isoleucine 672 with valine.
Molecular consequence: missense variant.
Genome position (GRCh38, 1-based): chr18:31,071,716, T>C on the plus strand (A>G on the coding strand, the complement: DSC2 is on the minus strand). VCF-style: chr18-31071716-T-C. GRCh37 (hg19) VCF-style: chr18-28651682-T-C.
Other names: c.2014A>G, p.Ile672Val (NM_004949.5); c.2014A>G (NM_024422.3); short protein forms I672V.
Identifiers: ClinVar variation 852557 (VCV000852557.12), dbSNP rs375842356, ClinGen allele CA297688660.

ClinVar aggregate classification (germline): Conflicting classifications of pathogenicity. Review status: criteria provided, conflicting classifications (1 of 4 stars). 5 submissions from 5 submitters: Uncertain significance (4); Likely benign (1). Last evaluated 2024-03-06.

Conditions:
Cardiovascular phenotype. Identifiers: MedGen CN230736.
Familial isolated arrhythmogenic right ventricular dysplasia. Identifiers: Orphanet 217656, MedGen C4274968, MONDO:0016342.
Cardiomyopathy (CMYO). Also called: Cardiomyopathies. Identifiers: Orphanet 167848, MedGen C0878544, MONDO:0004994, HP:0001638. Inheritance: Various modes of inheritance.
Arrhythmogenic right ventricular dysplasia 11. Also called: ARRHYTHMOGENIC RIGHT VENTRICULAR DYSPLASIA, FAMILIAL, 11; Arrhythmogenic Right Ventricular Dysplasia/Cardiomyopathy11; Arrhythmogenic right ventricular dysplasia 11 with mild palmoplantar keratoderma and woolly hair. Identifiers: MedGen C1864850, MONDO:0012506, OMIM 610476.

Allele frequency attached by ClinVar (database versions not stated): TOPMed 0.00001; ESP Exome Variant Server 0.00008; gnomAD exomes below 0.00001.

Submissions (5):

Color Diagnostics, LLC DBA Color Health
Classification: Uncertain significance for Cardiomyopathy. Last evaluated: 2024-03-06. Review status: criteria provided, single submitter. Criteria: ACMG Guidelines, 2015. Collection method: clinical testing. Allele origin: germline.
Comment: This missense variant replaces isoleucine with valine at codon 672 of the DSC2 protein. Computational prediction suggests that this variant may not impact protein structure and function (internally defined REVEL score threshold <= 0.5, PMID: 27666373). To our knowledge, functional studies have not been reported for this variant. This variant has not been reported in individuals affected with DSC2-related disorders in the literature. This variant has not been identified in the general population by the Genome Aggregation Database (gnomAD). The available evidence is insufficient to determine the role of this variant in disease conclusively. Therefore, this variant is classified as a Variant of Uncertain Significance.

All of Us Research Program, National Institutes of Health
Classification: Uncertain significance for Familial isolated arrhythmogenic right ventricular dysplasia. Last evaluated: 2023-08-16. Review status: criteria provided, single submitter. Criteria: ACMG Guidelines, 2015. Collection method: clinical testing. Allele origin: germline. Inheritance: Autosomal dominant inheritance. Observed: 1 variant allele, 1 heterozygote.
Comment: This missense variant replaces isoleucine with valine at codon 672 of the DSC2 protein. Computational prediction suggests that this variant may not impact protein structure and function (internally defined REVEL score threshold <= 0.5, PMID: 27666373). To our knowledge, functional studies have not been reported for this variant. This variant has not been reported in individuals affected with cardiovascular disorders in the literature. This variant has not been identified in the general population by the Genome Aggregation Database (gnomAD). The available evidence is insufficient to determine the role of this variant in disease conclusively. Therefore, this variant is classified as a Variant of Uncertain Significance.

This study involves interpretation of variants in research participants for the purpose of population health screening. Participant phenotype was not available at the time of variant classification. Additional details can be found in publication PMID: 35346344, PMCID: PMC8962531

Ambry Genetics
Classification: Likely benign for Cardiovascular phenotype. Last evaluated: 2023-02-05. Review status: criteria provided, single submitter. Criteria: Ambry Variant Classification Scheme 2023. Collection method: clinical testing. Allele origin: germline.

Labcorp Genetics (formerly Invitae), Labcorp
Classification: Uncertain significance for Arrhythmogenic right ventricular dysplasia 11. Last evaluated: 2022-08-23. Review status: criteria provided, single submitter. Criteria: Invitae Variant Classification Sherloc (09022015). Collection method: clinical testing. Allele origin: germline.
Comment: This sequence change replaces isoleucine, which is neutral and non-polar, with valine, which is neutral and non-polar, at codon 672 of the DSC2 protein (p.Ile672Val). This variant is not present in population databases (gnomAD no frequency). This variant has not been reported in the literature in individuals affected with DSC2-related conditions. ClinVar contains an entry for this variant (Variation ID: 852557). Algorithms developed to predict the effect of missense changes on protein structure and function output the following: SIFT: "Tolerated"; PolyPhen-2: "Benign"; Align-GVGD: "Class C0". The valine amino acid residue is found in multiple mammalian species, which suggests that this missense change does not adversely affect protein function. In summary, the available evidence is currently insufficient to determine the role of this variant in disease. Therefore, it has been classified as a Variant of Uncertain Significance.

Fulgent Genetics
Classification: Uncertain significance for Arrhythmogenic right ventricular dysplasia 11. Last evaluated: 2021-09-28. Review status: criteria provided, single submitter. Criteria: ACMG Guidelines, 2015. Collection method: clinical testing. Allele origin: unknown.